The following is an entry in ClinVar:

ClinVar aggregate classification (germline): Pathogenic (1 of 4 stars; one submission).

Conditions:
Hereditary cancer-predisposing syndrome. Also called: Neoplastic Syndromes, Hereditary; Tumor predisposition; Hereditary Cancer Syndrome; Hereditary neoplastic syndrome. Identifiers: Orphanet 140162, MedGen C0027672, MeSH D009386, MONDO:0015356.

Submission:

Ambry Genetics
Classification: Pathogenic for Hereditary cancer-predisposing syndrome. Last evaluated: 2026-05-18. Review status: criteria provided, single submitter. Criteria: Ambry Variant Classification Scheme 2023. Collection method: clinical testing. Allele origin: germline.
Comment: The c.2058_2059delTG pathogenic mutation, located in coding exon 10 of the BRCA2 gene, results from a deletion of two nucleotides at nucleotide positions 2058 to 2059, causing a translational frameshift with a predicted alternate stop codon (p.D687Lfs*2). This variant is considered to be rare based on population cohorts in the Genome Aggregation Database (gnomAD). This alteration is expected to result in loss of function by premature protein truncation or nonsense-mediated mRNA decay. As such, this alteration is interpreted as a disease-causing mutation.

NM_000059.4(BRCA2):c.2058_2059del (p.Asp687fs)

Gene: BRCA2 (BRCA2 DNA repair associated; plus strand). Cytogenetic location: 13q13.1.
Variant type: Deletion.
Coding change: c.2058_2059del on transcript NM_000059.4 (MANE Select); coding-DNA positions 2058 to 2059, 2 bases deleted (TG; older notation c.2058_2059delTG).
Protein change: p.Asp687fs; shifts the reading frame from aspartic acid 687.
Molecular consequence: frameshift variant. On other transcripts: non-coding transcript variant (1), intron variant (2).
Genome position (GRCh38, 1-based): chr13:32,336,413-32,336,414, TG deleted. VCF-style (leftmost placement, unchanged base first): chr13-32336412-TTG-T. GRCh37 (hg19) VCF-style: chr13-32910549-TTG-T.
Other names: c.2058_2059del, p.Asp687fs (NM_001406719.1, NM_001406720.1, NM_001432077.1); c.1909+3026_1909+3027del (NM_001406721.1); c.424+5383_424+5384del (NM_001406722.1); short protein forms D687fs.
Identifiers: ClinVar variation 4867862 (VCV004867862.1).
Genomic context (GRCh38, chr13:32,336,412, plus strand): 5'-TTCTGAGGAAATGTTCTAGAAATGAAACATGTTCTAATAATACAGTAATCTCTCAGGATC[TTG>T]ATTATAAAGAAGCAAAATGTAATAAGGAAAAACTACAGTTATTTATTACCCCAGAAGCTG-3'